The following is an entry in ClinVar:

NM_002907.4(RECQL):c.340C>G (p.Pro114Ala)

Gene: RECQL (RecQ like helicase; minus strand). Cytogenetic location: 12p12.1.
Variant type: single nucleotide variant.
Coding change: c.340C>G on transcript NM_002907.4 (MANE Select); coding-DNA position 340, C replaced by G.
Protein change: p.Pro114Ala; replaces proline 114 with alanine.
Molecular consequence: missense variant.
Genome position (GRCh38, 1-based): chr12:21,490,253, G>C on the plus strand (C>G on the coding strand, the complement: RECQL is on the minus strand). VCF-style: chr12-21490253-G-C. GRCh37 (hg19) VCF-style: chr12-21643187-G-C.
Other names: c.340C>G, p.Pro114Ala (NM_032941.3); short protein forms P114A.
Identifiers: ClinVar variation 3313488 (VCV003313488.1).
Genomic context (GRCh38, chr12:21,490,253, plus strand): 5'-ACATACCATCTGAACATAATGCTGGTAACTGGTAACATAAGCTCTTTCCACCTCCTGTAG[G>C]CATAACAAGAAATACCTCCTTTCCAGCCATTGTTACGTTAATAGTTTCAAGCTGAAGTGG-3'
Protein context (NP_002898.2, residues 104-124): MAGKEVFLVM[Pro114Ala]TGGGKSLCYQ

ClinVar aggregate classification (germline): Uncertain significance (1 of 4 stars; one submission).

gnomAD v4.1: 1 of 1,612,744 alleles (0.000062%); no homozygotes.

Submission:

Ambry Genetics
Classification: Uncertain significance. Last evaluated: 2024-04-09. Review status: criteria provided, single submitter. Criteria: Ambry Variant Classification Scheme 2023. Collection method: clinical testing. Allele origin: germline.
Comment: The p.P114A variant (also known as c.340C>G), located in coding exon 3 of the RECQL gene, results from a C to G substitution at nucleotide position 340. The proline at codon 114 is replaced by alanine, an amino acid with highly similar properties. This amino acid position is conserved. In addition, this alteration is predicted to be deleterious by in silico analysis. Based on the available evidence, the clinical significance of this variant remains unclear.